The following is an entry in ClinVar:

NM_001148.6(ANK2):c.11662A>T (p.Ile3888Phe)

Gene: ANK2 (ankyrin 2; plus strand). Cytogenetic location: 4q26.
Variant type: single nucleotide variant.
Coding change: c.11662A>T on transcript NM_001148.6 (MANE Select); coding-DNA position 11662, A replaced by T.
Protein change: p.Ile3888Phe; replaces isoleucine 3888 with phenylalanine.
Molecular consequence: missense variant. On other transcripts: intron variant (1).
Genome position (GRCh38, 1-based): chr4:113,373,141, A>T. VCF-style: chr4-113373141-A-T. GRCh37 (hg19) VCF-style: chr4-114294297-A-T.
Other names: c.5380A>T, p.Ile1794Phe (NM_001127493.3); c.5419A>T, p.Ile1807Phe (NM_001354225.2); c.5401A>T, p.Ile1801Phe (NM_001354228.2); c.5386A>T, p.Ile1796Phe (NM_001354230.2); c.5542A>T, p.Ile1848Phe (NM_001354231.2); c.5536A>T, p.Ile1846Phe (NM_001354232.2); c.5497A>T, p.Ile1833Phe (NM_001354235.2); c.5305A>T, p.Ile1769Phe (NM_001354236.2); and 44 more; short protein forms I1642F, I1675F, I1703F, I1708F, I1716F, I1725F, I1728F, I1730F.
Identifiers: ClinVar variation 1718641 (VCV001718641.5), dbSNP rs763855448, ClinGen allele CA357943431.
Genomic context (GRCh38, chr4:113,373,141, plus strand): 5'-ACTGTTTAGGGAGACGATATGCCTGAAATACCCCCAGAAACAGTCACAGAAGAAGAATAC[A>T]TTGATGAGCATGGACACACCGTGGTAAAGAAGGTATTGTCTAGTATATCCTAACAGGGTT-3'
Protein context (NP_001139.3, residues 3878-3898): PPETVTEEEY[Ile3888Phe]DEHGHTVVKK

ClinVar aggregate classification (germline): Uncertain significance (1 of 4 stars; one submission).

Conditions:
Long QT syndrome (LQTS). Identifiers: MedGen C0023976, MeSH D008133, MONDO:0002442. Disease mechanism: loss of function. Inheritance: Various modes of inheritance.

gnomAD v4.1: 1 of 1,614,184 alleles (0.000062%); highest among the groups gnomAD compares: Non-Finnish European, 0.000085%; no homozygotes.

Submission:

Labcorp Genetics (formerly Invitae), Labcorp
Classification: Uncertain significance for Long QT syndrome. Last evaluated: 2022-09-02. Review status: criteria provided, single submitter. Criteria: Invitae Variant Classification Sherloc (09022015). Collection method: clinical testing. Allele origin: germline.
Comment: In summary, the available evidence is currently insufficient to determine the role of this variant in disease. Therefore, it has been classified as a Variant of Uncertain Significance. Algorithms developed to predict the effect of missense changes on protein structure and function (SIFT, PolyPhen-2, Align-GVGD) all suggest that this variant is likely to be tolerated. This variant has not been reported in the literature in individuals affected with ANK2-related conditions. This variant is not present in population databases (gnomAD no frequency). This sequence change replaces isoleucine, which is neutral and non-polar, with phenylalanine, which is neutral and non-polar, at codon 3888 of the ANK2 protein (p.Ile3888Phe).